The following is an entry in ClinVar:

ClinVar aggregate classification (germline): Uncertain significance. Review status: criteria provided, multiple submitters, no conflicts (2 of 4 stars). 2 submissions from 2 submitters: Uncertain significance (2). Last evaluated 2025-06-10.

Conditions:
EGFR-related lung cancer (EGFR). Identifiers: MedGen CN130014.
Hereditary cancer-predisposing syndrome. Also called: Neoplastic Syndromes, Hereditary; Hereditary Cancer Syndrome; Hereditary neoplastic syndrome; Tumor predisposition. Identifiers: Orphanet 140162, MedGen C0027672, MeSH D009386, MONDO:0015356.

Submissions (2):

Ambry Genetics
Classification: Uncertain significance for Hereditary cancer-predisposing syndrome. Last evaluated: 2025-06-10. Review status: criteria provided, single submitter. Criteria: Ambry Variant Classification Scheme 2023. Collection method: clinical testing. Allele origin: germline.
Comment: The p.N234K variant (also known as c.702C>G), located in coding exon 6 of the EGFR gene, results from a C to G substitution at nucleotide position 702. The asparagine at codon 234 is replaced by lysine, an amino acid with similar properties. This amino acid position is conserved. In addition, this alteration is predicted to be tolerated by in silico analysis. Based on the available evidence, the clinical significance of this variant remains unclear.

Labcorp Genetics (formerly Invitae), Labcorp
Classification: Uncertain significance for EGFR-related lung cancer. Last evaluated: 2022-09-28. Review status: criteria provided, single submitter. Criteria: Invitae Variant Classification Sherloc (09022015). Collection method: clinical testing. Allele origin: germline.
Comment: In summary, the available evidence is currently insufficient to determine the role of this variant in disease. Therefore, it has been classified as a Variant of Uncertain Significance. Advanced modeling of protein sequence and biophysical properties (such as structural, functional, and spatial information, amino acid conservation, physicochemical variation, residue mobility, and thermodynamic stability) performed at Invitae indicates that this missense variant is not expected to disrupt EGFR protein function. ClinVar contains an entry for this variant (Variation ID: 1060651). This variant has not been reported in the literature in individuals affected with EGFR-related conditions. This variant is not present in population databases (gnomAD no frequency). This sequence change replaces asparagine, which is neutral and polar, with lysine, which is basic and polar, at codon 234 of the EGFR protein (p.Asn234Lys).

NM_005228.5(EGFR):c.702C>G (p.Asn234Lys)

Gene: EGFR (epidermal growth factor receptor; plus strand). Cytogenetic location: 7p11.2.
Variant type: single nucleotide variant.
Coding change: c.702C>G on transcript NM_005228.5 (MANE Select); coding-DNA position 702, C replaced by G.
Protein change: p.Asn234Lys; replaces asparagine 234 with lysine.
Molecular consequence: missense variant. On other transcripts: intron variant (1).
Genome position (GRCh38, 1-based): chr7:55,152,619, C>G. VCF-style: chr7-55152619-C-G. GRCh37 (hg19) VCF-style: chr7-55220312-C-G.
Other names: c.567C>G, p.Asn189Lys (NM_001346897.2, NM_001346899.2); c.702C>G, p.Asn234Lys (NM_001346898.2, NM_201282.2, NM_201283.2 and 1 more transcripts); c.543C>G, p.Asn181Lys (NM_001346900.2); c.89-3211C>G (NM_001346941.2); c.702C>G (NM_005228.3); short protein forms N181K, N189K, N234K.
Identifiers: ClinVar variation 1060651 (VCV001060651.10), dbSNP rs940465245, ClinGen allele CA367577476.